The following is an entry in ClinVar:

NM_000059.4(BRCA2):c.4474A>G (p.Lys1492Glu)

Gene: BRCA2 (BRCA2 DNA repair associated; plus strand). Cytogenetic location: 13q13.1.
Variant type: single nucleotide variant.
Coding change: c.4474A>G on transcript NM_000059.4 (MANE Select); coding-DNA position 4474, A replaced by G.
Protein change: p.Lys1492Glu; replaces lysine 1492 with glutamic acid.
Molecular consequence: missense variant.
Genome position (GRCh38, 1-based): chr13:32,338,829, A>G. VCF-style: chr13-32338829-A-G. GRCh37 (hg19) VCF-style: chr13-32912966-A-G.
Other names: short protein forms K1492E.
Identifiers: ClinVar variation 851828 (VCV000851828.11), dbSNP rs1057517636, ClinGen allele CA387781472.

ClinVar aggregate classification (germline): Conflicting classifications of pathogenicity. Review status: criteria provided, conflicting classifications (1 of 4 stars). 2 submissions from 2 submitters: Uncertain significance (1); Likely benign (1). Last evaluated 2023-03-23.

Conditions:
Hereditary breast ovarian cancer syndrome. Also called: Hereditary breast and ovarian cancer syndrome; BRCA1- and BRCA2-Associated Hereditary Breast and Ovarian Cancer; Hereditary breast and/or ovarian cancer syndrome; Hereditary breast and ovarian cancer; Hereditary breast and ovarian cancer syndrome (HBOC); Breast and ovarian cancer. Identifiers: Orphanet 145, MedGen C0677776, MeSH D061325, MONDO:0003582. Disease mechanism: loss of function.
Hereditary cancer-predisposing syndrome. Also called: Neoplastic Syndromes, Hereditary; Hereditary Cancer Syndrome; Tumor predisposition; Hereditary neoplastic syndrome. Identifiers: Orphanet 140162, MedGen C0027672, MeSH D009386, MONDO:0015356.

Allele frequency attached by ClinVar (database versions not stated): TOPMed below 0.00001.

Submissions (2):

University of Washington Department of Laboratory Medicine, University of Washington
Classification: Likely benign for Hereditary cancer-predisposing syndrome. Last evaluated: 2023-03-23. Review status: criteria provided, single submitter. Criteria: Dines et al. (Genet Med. 2020). Collection method: curation. Allele origin: germline.
Comment: Missense variant in a coldspot region where missense variants are very unlikely to be pathogenic (PMID:31911673).

BRCA2 exon 11 coldspot. Reclassification based on statistical prior probability.

Labcorp Genetics (formerly Invitae), Labcorp
Classification: Uncertain significance for Hereditary breast ovarian cancer syndrome. Last evaluated: 2019-02-13. Review status: criteria provided, single submitter. Criteria: Invitae Variant Classification Sherloc (09022015). Collection method: clinical testing. Allele origin: germline.
Comment: In summary, the available evidence is currently insufficient to determine the role of this variant in disease. Therefore, it has been classified as a Variant of Uncertain Significance. Algorithms developed to predict the effect of missense changes on protein structure and function output the following: SIFT: "Tolerated"; PolyPhen-2: "Benign"; Align-GVGD: "Class C0". The glutamic acid amino acid residue is found in multiple mammalian species, suggesting that this missense change does not adversely affect protein function. These predictions have not been confirmed by published functional studies and their clinical significance is uncertain. This variant has not been reported in the literature in individuals with BRCA2-related conditions. This variant is not present in population databases (ExAC no frequency). This sequence change replaces lysine with glutamic acid at codon 1492 of the BRCA2 protein (p.Lys1492Glu). The lysine residue is weakly conserved and there is a small physicochemical difference between lysine and glutamic acid.